The following is an entry in ClinVar:

NM_004247.4(EFTUD2):c.1079C>T (p.Ala360Val)

Gene: EFTUD2 (elongation factor Tu GTP binding domain containing 2; minus strand). Cytogenetic location: 17q21.31.
Variant type: single nucleotide variant.
Coding change: c.1079C>T on transcript NM_004247.4 (MANE Select); coding-DNA position 1079, C replaced by T.
Protein change: p.Ala360Val; replaces alanine 360 with valine.
Molecular consequence: missense variant.
Genome position (GRCh38, 1-based): chr17:44,867,877, G>A on the plus strand (C>T on the coding strand, the complement: EFTUD2 is on the minus strand). VCF-style: chr17-44867877-G-A. GRCh37 (hg19) VCF-style: chr17-42945245-G-A.
Other names: c.974C>T, p.Ala325Val (NM_001142605.2); c.1079C>T, p.Ala360Val (NM_001258353.2); c.1049C>T, p.Ala350Val (NM_001258354.2); short protein forms A350V, A325V, A360V.
Identifiers: ClinVar variation 3669493 (VCV003669493.2).

ClinVar aggregate classification (germline): Uncertain significance (1 of 4 stars; one submission).

Submission:

Labcorp Genetics (formerly Invitae), Labcorp
Classification: Uncertain significance. Last evaluated: 2024-12-02. Review status: criteria provided, single submitter. Criteria: Invitae Variant Classification Sherloc (09022015). Collection method: clinical testing. Allele origin: germline.
Comment: This sequence change replaces alanine, which is neutral and non-polar, with valine, which is neutral and non-polar, at codon 360 of the EFTUD2 protein (p.Ala360Val). This variant is not present in population databases (gnomAD no frequency). This variant has not been reported in the literature in individuals affected with EFTUD2-related conditions. Invitae Evidence Modeling of protein sequence and biophysical properties (such as structural, functional, and spatial information, amino acid conservation, physicochemical variation, residue mobility, and thermodynamic stability) indicates that this missense variant is not expected to disrupt EFTUD2 protein function with a negative predictive value of 80%. In summary, the available evidence is currently insufficient to determine the role of this variant in disease. Therefore, it has been classified as a Variant of Uncertain Significance.